The following is an entry in ClinVar:

NM_001792.5(CDH2):c.2675C>T (p.Pro892Leu)

Genes: CDH2 (cadherin 2; minus strand), CDH2-AS1 (CDH2 antisense RNA 1; plus strand). Cytogenetic location: 18q12.1.
Variant type: single nucleotide variant.
Coding change: c.2675C>T on transcript NM_001792.5 (MANE Select); coding-DNA position 2675, C replaced by T.
Protein change: p.Pro892Leu; replaces proline 892 with leucine.
Molecular consequence: missense variant.
Genome position (GRCh38, 1-based): chr18:27,952,199, G>A on the plus strand (C>T on the coding strand, the complement: CDH2 is on the minus strand). VCF-style: chr18-27952199-G-A. GRCh37 (hg19) VCF-style: chr18-25532163-G-A.
Other names: c.2582C>T, p.Pro861Leu (NM_001308176.2); c.2675C>T (NM_001792.4); short protein forms P861L, P892L.
Identifiers: ClinVar variation 3612254 (VCV003612254.3).

ClinVar aggregate classification (germline): Uncertain significance. Review status: criteria provided, multiple submitters, no conflicts (2 of 4 stars). 2 submissions from 2 submitters: Uncertain significance (2). Last evaluated 2025-06-14.

Conditions:
CDH2-related disorder. Also called: CDH2-related condition.

gnomAD v4.1: 3 of 1,613,616 alleles (0.00019%); highest among the groups gnomAD compares: East Asian, 0.0067%; no homozygotes.

Submissions (2):

Labcorp Genetics (formerly Invitae), Labcorp
Classification: Uncertain significance. Last evaluated: 2025-06-14. Review status: criteria provided, single submitter. Criteria: Invitae Variant Classification Sherloc (09022015). Collection method: clinical testing. Allele origin: germline.
Comment: This sequence change replaces proline, which is neutral and non-polar, with leucine, which is neutral and non-polar, at codon 892 of the CDH2 protein (p.Pro892Leu). This variant is present in population databases (rs758658207, gnomAD 0.003%). This variant has not been reported in the literature in individuals affected with CDH2-related conditions. ClinVar contains an entry for this variant (Variation ID: 3612254). An algorithm developed to predict the effect of missense changes on protein structure and function (PolyPhen-2) suggests that this variant is likely to be disruptive. In summary, the available evidence is currently insufficient to determine the role of this variant in disease. Therefore, it has been classified as a Variant of Uncertain Significance.

PreventionGenetics, part of Exact Sciences
Classification: Uncertain significance for CDH2-related condition. Last evaluated: 2025-03-14. Review status: criteria provided, single submitter. Criteria: ACMG Guidelines, 2015. Collection method: clinical testing. Allele origin: germline.
Comment: The CDH2 c.2675C>T variant is predicted to result in the amino acid substitution p.Pro892Leu. To our knowledge, this variant has not been reported in the literature in individuals with CDH2-related disorders or in a large population database (gnomAD), indicating this variant is rare. At this time, the clinical significance of this variant is uncertain due to the absence of conclusive functional and genetic evidence.